The following is an entry in ClinVar:

ClinVar aggregate classification (germline): Pathogenic/Likely pathogenic. Review status: criteria provided, multiple submitters, no conflicts (2 of 4 stars). 2 submissions from 2 submitters: Pathogenic (1); Likely pathogenic (1). Last evaluated 2026-04-14.

Conditions:
Low phospholipid associated cholelithiasis (GBD1). Also called: Gallstone cholecystitis; Gallbladder disease 1. Identifiers: Orphanet 69663, MedGen C2609268, MONDO:0010939, OMIM 600803.
ABCB4-related disorder. Also called: ABCB4-related disorders; ABCB4-related condition.

Submissions (2):

Genomenon, Inc
Classification: Pathogenic for Low phospholipid associated cholelithiasis. Last evaluated: 2026-04-14. Review status: criteria provided, single submitter. Criteria: Genomenon Sequence Variant Interpretation Standards - Updated. Collection method: curation. Allele origin: germline. Affected: yes.
Comment: ABCB4 c.1356+2T>C is a canonical splice variant affecting the donor splice site of intron 12. It is predicted to affect mRNA splicing, leading to a deleterious effect on the ABCB4 protein. This variant has been observed in at least one proband with an ABCB4-related disorder (PMID:33390354). It is absent or not present at a significant frequency in gnomAD. In conclusion, we classify ABCB4 c.1356+2T>C as a pathogenic variant.

Blueprint Genetics
Classification: Likely pathogenic for ABCB4-related disorders. Last evaluated: 2020-06-04. Review status: criteria provided, single submitter. Criteria: ACMG Guidelines, 2015. Collection method: clinical testing. Allele origin: germline. Affected: yes. Observed: 1 variant allele.

Literature cited by the submitters: PubMed 33390354 (cited by Genomenon, Inc).

NM_000443.4(ABCB4):c.1356+2T>C

Gene: ABCB4 (ATP binding cassette subfamily B member 4; minus strand). Cytogenetic location: 7q21.12.
Variant type: single nucleotide variant.
Coding change: c.1356+2T>C on transcript NM_000443.4 (MANE Select); the canonical splice donor site of the intron after coding-DNA position 1356, T replaced by C.
Molecular consequence: splice donor variant.
Genome position (GRCh38, 1-based): chr7:87,443,317, A>G on the plus strand (T>C on the coding strand, the complement: ABCB4 is on the minus strand). VCF-style: chr7-87443317-A-G. GRCh37 (hg19) VCF-style: chr7-87072633-A-G.
Other names: c.1356+2T>C (NM_018850.3, NM_018849.3).
Identifiers: ClinVar variation 4846337 (VCV004846337.2).